The following is an entry in ClinVar:

NM_145200.5(CABP4):c.*1435G>A

Gene: CABP4 (calcium binding protein 4; plus strand). Cytogenetic location: 11q13.2.
Variant type: single nucleotide variant.
Coding change: c.*1435G>A on transcript NM_145200.5 (MANE Select); 1435 bases downstream of the stop codon, G replaced by A.
Molecular consequence: 3 prime UTR variant. On other transcripts: non-coding transcript variant (1).
Genome position (GRCh38, 1-based): chr11:67,460,094, G>A. VCF-style: chr11-67460094-G-A. GRCh37 (hg19) VCF-style: chr11-67227565-G-A.
Other names: c.*1435G>A (NM_001300895.3, NM_001300896.3, NM_001379183.1).
Identifiers: ClinVar variation 305679 (VCV000305679.5), dbSNP rs75914794, ClinGen allele CA10639192.
Genomic context (GRCh38, chr11:67,460,094, plus strand): 5'-TGGCATCTCAGTGTACATAATACAGCCGCCTAAGAGACCACAAGATACATGCAAATAAAA[G>A]ACGGCTAAAAGGGGAAGAGAGATCAACATGCAGTAACAGGATAGTATGAAGAGAGAACCG-3'

ClinVar aggregate classification (germline): Benign (1 of 4 stars; one submission).

Conditions:
Cone-rod synaptic disorder, congenital nonprogressive. Also called: NIGHT BLINDNESS, CONGENITAL STATIONARY, INCOMPLETE, AUTOSOMAL RECESSIVE. Identifiers: Orphanet 215, MedGen C4041558, MONDO:0012490, OMIM 610427.

Allele frequency attached by ClinVar (database versions not stated): 1000 Genomes Project 0.01518; gnomAD 0.01583 and 0.01709; 1000 Genomes Project 30x 0.01640; TOPMed 0.01736.

Submission:

Illumina Laboratory Services, Illumina
Classification: Benign for Cone-rod synaptic disorder, congenital nonprogressive. Last evaluated: 2018-01-13. Review status: criteria provided, single submitter. Criteria: ICSL Variant Classification Criteria 13 December 2019. Collection method: clinical testing. Allele origin: germline.
Comment: This variant was observed in the ICSL laboratory as part of a predisposition screen in an ostensibly healthy population. It had not been previously curated by ICSL or reported in the Human Gene Mutation Database (HGMD: prior to June 1st, 2018), and was therefore a candidate for classification through an automated scoring system. Utilizing variant allele frequency, disease prevalence and penetrance estimates, and inheritance mode, an automated score was calculated to assess if this variant is too frequent to cause the disease. Based on the score and internal cut-off values, a variant classified as benign is not then subjected to further curation. The score for this variant resulted in a classification of benign for this disease.